The following is an entry in ClinVar:

ClinVar aggregate classification (germline): Pathogenic (1 of 4 stars; one submission).

Conditions:
Neurofibromatosis, type 1 (NF1). Also called: NEUROFIBROMATOSIS, TYPE I, SOMATIC; VON RECKLINGHAUSEN DISEASE; Peripheral type neurofibromatosis; Neurofibromatosis, type I. Identifiers: Orphanet 636, MedGen C0027831, MONDO:0018975, OMIM 162200. Disease mechanism: loss of function.

Submission:

Labcorp Genetics (formerly Invitae), Labcorp
Classification: Pathogenic for Neurofibromatosis, type 1. Last evaluated: 2021-12-21. Review status: criteria provided, single submitter. Criteria: Invitae Variant Classification Sherloc (09022015). Collection method: clinical testing. Allele origin: germline.
Comment: For these reasons, this variant has been classified as Pathogenic. Algorithms developed to predict the effect of sequence changes on RNA splicing suggest that this variant may create or strengthen a splice site. This variant has not been reported in the literature in individuals affected with NF1-related conditions. This variant is not present in population databases (gnomAD no frequency). This sequence change creates a premature translational stop signal (p.Val870Serfs*8) in the NF1 gene. It is expected to result in an absent or disrupted protein product. Loss-of-function variants in NF1 are known to be pathogenic (PMID: 10712197, 23913538).

Literature cited by the submitters: PubMed 10712197; PubMed 23913538.

NM_001042492.3(NF1):c.2607del (p.Val870fs)

Gene: NF1 (neurofibromin 1; plus strand). Cytogenetic location: 17q11.2.
Variant type: Deletion.
Coding change: c.2607del on transcript NM_001042492.3 (MANE Select); coding-DNA position 2607, one base deleted (A; older notation c.2607delA).
Protein change: p.Val870fs; shifts the reading frame from valine 870.
Molecular consequence: frameshift variant.
Genome position (GRCh38, 1-based): chr17:31,229,222, A deleted. VCF-style (leftmost placement, unchanged base first): chr17-31229221-CA-C. GRCh37 (hg19) VCF-style: chr17-29556239-CA-C.
Other names: c.2607delA, p.Val870Serfs (NM_000267.4); short protein forms V870fs.
Identifiers: ClinVar variation 2052076 (VCV002052076.4), dbSNP rs2508185248, ClinGen allele CA2580093320.